The following is an entry in ClinVar:

ClinVar aggregate classification (germline): Benign/Likely benign. Review status: criteria provided, multiple submitters, no conflicts (2 of 4 stars). 3 submissions from 3 submitters: Benign (2); Likely benign (1). Last evaluated 2026-01-29.

Conditions:
Retinitis pigmentosa 33 (RP33). Identifiers: Orphanet 791, MedGen C1835895, MONDO:0012477, OMIM 610359.
Retinitis pigmentosa (RP). Identifiers: Orphanet 791, MedGen C0035334, MeSH D012174, MONDO:0019200, OMIM 268000. Inheritance: Autosomal dominant, autosomal recessive and X linked inheritance.

Allele frequency attached by ClinVar (database versions not stated): gnomAD below 0.00001 and 0.00063; TOPMed 0.00012; gnomAD exomes 0.00125 and 0.00253; ExAC 0.00277; 1000 Genomes Project 30x 0.00453; 1000 Genomes Project 0.00459.
gnomAD v4.1: 1,932 of 1,614,162 alleles (0.12%); highest among the groups gnomAD compares: South Asian, 2%; 38 homozygotes.

Submissions (3):

Labcorp Genetics (formerly Invitae), Labcorp
Classification: Benign. Last evaluated: 2026-01-29. Review status: criteria provided, single submitter. Criteria: Invitae Variant Classification Sherloc (09022015). Collection method: clinical testing. Allele origin: germline.

Fulgent Genetics
Classification: Likely benign for Retinitis pigmentosa 33. Last evaluated: 2022-05-03. Review status: criteria provided, single submitter. Criteria: ACMG Guidelines, 2015. Collection method: clinical testing. Allele origin: unknown.

Illumina Laboratory Services, Illumina
Classification: Benign for Retinitis pigmentosa. Last evaluated: 2018-01-13. Review status: criteria provided, single submitter. Criteria: ICSL Variant Classification Criteria 13 December 2019. Collection method: clinical testing. Allele origin: germline.
Comment: This variant was observed in the ICSL laboratory as part of a predisposition screen in an ostensibly healthy population. It had not been previously curated by ICSL or reported in the Human Gene Mutation Database (HGMD: prior to June 1st, 2018), and was therefore a candidate for classification through an automated scoring system. Utilizing variant allele frequency, disease prevalence and penetrance estimates, and inheritance mode, an automated score was calculated to assess if this variant is too frequent to cause the disease. Based on the score and internal cut-off values, a variant classified as benign is not then subjected to further curation. The score for this variant resulted in a classification of benign for this disease.

NM_014014.5(SNRNP200):c.5983G>A (p.Ala1995Thr)

Gene: SNRNP200 (small nuclear ribonucleoprotein U5 subunit 200; minus strand). Cytogenetic location: 2q11.2.
Variant type: single nucleotide variant.
Coding change: c.5983G>A on transcript NM_014014.5 (MANE Select); coding-DNA position 5983, G replaced by A.
Protein change: p.Ala1995Thr; replaces alanine 1995 with threonine.
Molecular consequence: missense variant.
Genome position (GRCh38, 1-based): chr2:96,277,190, C>T on the plus strand (G>A on the coding strand, the complement: SNRNP200 is on the minus strand). VCF-style: chr2-96277190-C-T. GRCh37 (hg19) VCF-style: chr2-96942928-C-T.
Other names: short protein forms A1995T.
Identifiers: ClinVar variation 337528 (VCV000337528.14), dbSNP rs201691299, ClinGen allele CA1777846.